The following is an entry in ClinVar:

NM_014712.3(SETD1A):c.1376C>G (p.Ser459Cys)

Gene: SETD1A (SET domain containing 1A, histone lysine methyltransferase; plus strand). Cytogenetic location: 16p11.2.
Variant type: single nucleotide variant.
Coding change: c.1376C>G on transcript NM_014712.3 (MANE Select); coding-DNA position 1376, C replaced by G.
Protein change: p.Ser459Cys; replaces serine 459 with cysteine.
Molecular consequence: missense variant.
Genome position (GRCh38, 1-based): chr16:30,965,118, C>G. VCF-style: chr16-30965118-C-G. GRCh37 (hg19) VCF-style: chr16-30976439-C-G.
Other names: short protein forms S459C.
Identifiers: ClinVar variation 3363666 (VCV003363666.1).

ClinVar aggregate classification (germline): Uncertain significance (1 of 4 stars; one submission).

Submission:

GeneDx
Classification: Uncertain significance. Last evaluated: 2023-11-01. Review status: criteria provided, single submitter. Criteria: GeneDx Variant Classification Process June 2021. Collection method: clinical testing. Allele origin: germline. Affected: yes.
Comment: Not observed at significant frequency in large population cohorts (gnomAD); In silico analysis supports that this missense variant does not alter protein structure/function; Has not been previously published as pathogenic or benign to our knowledge